The following is an entry in ClinVar:

ClinVar aggregate classification (germline): Pathogenic (1 of 4 stars; one submission).

Conditions:
Angelman syndrome (AS). Also called: HAPPY PUPPET SYNDROME. Identifiers: Orphanet 72, MedGen C0162635, MONDO:0007113, OMIM 105830. Disease mechanism: loss of function. Inheritance: AS is caused by disruption of maternally imprinted UBE3A located within the 15q11.2-q13 Angelman syndrome/Prader-Willi syndrome (AS/PWS) region., imprinting disorder.

Submission:

Labcorp Genetics (formerly Invitae), Labcorp
Classification: Pathogenic for Angelman syndrome. Last evaluated: 2023-09-25. Review status: criteria provided, single submitter. Criteria: Invitae Variant Classification Sherloc (09022015). Collection method: clinical testing. Allele origin: germline.
Comment: For these reasons, this variant has been classified as Pathogenic. Algorithms developed to predict the effect of sequence changes on RNA splicing suggest that this variant may disrupt the consensus splice site. ClinVar contains an entry for this variant (Variation ID: 2016199). Disruption of the initiator codon has been observed in individual(s) with Angelman syndrome (PMID: 25212744, 29737008). In at least one individual the variant was observed to be de novo. It has also been observed to segregate with disease in related individuals. This variant is not present in population databases (gnomAD no frequency). This sequence change affects the initiator methionine of the UBE3A mRNA. The next in-frame methionine is located at codon 40.

Literature cited by the submitters: PubMed 25212744; PubMed 29737008.

NC_000015.10:g.25375764del

Genes: SNHG14 (small nucleolar RNA host gene 14; plus strand), UBE3A (ubiquitin protein ligase E3A; minus strand). Cytogenetic location: 15q11.2.
Variant type: Deletion.
Genome position: GRCh38 VCF-style: chr15-25375762-TC-T. GRCh37 (hg19) VCF-style: chr15-25620909-TC-T.
Identifiers: ClinVar variation 2016199 (VCV002016199.5), dbSNP rs2552193075, ClinGen allele CA2580089157.
Genomic context (GRCh38, chr15:25,375,762, plus strand): 5'-CACAGCCCTCAGTTAACTGGTGGTAGTAGCGTTCTATTAGATGCTTTGCAGCTGCTCGCT[TC>T]CTGTACCAAACATTCAAACAATAAGCACAGTGATTAGTACAGCTCTCAAGTACAAAGCTC-3'